The following is an entry in ClinVar:

ClinVar aggregate classification (germline): Uncertain significance (1 of 4 stars; one submission).

Conditions:
Menkes kinky-hair syndrome (MNK). Also called: Copper transport disease; Menkes Disease; Classic Menkes Disease. Identifiers: Orphanet 565, MedGen C0022716, MONDO:0010651, OMIM 309400.
X-linked distal spinal muscular atrophy type 3. Also called: ATP7A-Related Distal Motor Neuropathy; SPINAL MUSCULAR ATROPHY, DISTAL, X-LINKED RECESSIVE; NEURONOPATHY, DISTAL HEREDITARY MOTOR, X-LINKED; NEUROPATHY, DISTAL HEREDITARY MOTOR, X-LINKED. Identifiers: Orphanet 139557, MedGen C1845359, MONDO:0010338, OMIM 300489.
Cutis laxa, X-linked (OHS). Also called: EDS IX; Occipital horn syndrome. Identifiers: Orphanet 198, MedGen C0268353, MONDO:0010572, OMIM 304150.

Submission:

Labcorp Genetics (formerly Invitae), Labcorp
Classification: Uncertain significance for X-linked distal spinal muscular atrophy type 3; Cutis laxa, X-linked; Menkes kinky-hair syndrome. Last evaluated: 2024-08-01. Review status: criteria provided, single submitter. Criteria: Invitae Variant Classification Sherloc (09022015). Collection method: clinical testing. Allele origin: germline.
Comment: This sequence change replaces glycine, which is neutral and non-polar, with arginine, which is basic and polar, at codon 70 of the ATP7A protein (p.Gly70Arg). This variant is not present in population databases (gnomAD no frequency). This variant has not been reported in the literature in individuals affected with ATP7A-related conditions. Advanced modeling of protein sequence and biophysical properties (such as structural, functional, and spatial information, amino acid conservation, physicochemical variation, residue mobility, and thermodynamic stability) has been performed at Invitae for this missense variant, however the output from this modeling did not meet the statistical confidence thresholds required to predict the impact of this variant on ATP7A protein function. In summary, the available evidence is currently insufficient to determine the role of this variant in disease. Therefore, it has been classified as a Variant of Uncertain Significance.

NM_000052.7(ATP7A):c.208G>C (p.Gly70Arg)

Gene: ATP7A (ATPase copper transporting alpha; plus strand). Cytogenetic location: Xq21.1.
Variant type: single nucleotide variant.
Coding change: c.208G>C on transcript NM_000052.7 (MANE Select); coding-DNA position 208, G replaced by C.
Protein change: p.Gly70Arg; replaces glycine 70 with arginine.
Molecular consequence: missense variant.
Genome position (GRCh38, 1-based): chrX:77,988,329, G>C. VCF-style: chrX-77988329-G-C. GRCh37 (hg19) VCF-style: chrX-77243825-G-C.
Other names: c.208G>C, p.Gly70Arg (NM_001282224.2); short protein forms G70R.
Identifiers: ClinVar variation 3751439 (VCV003751439.2).
Genomic context (GRCh38, chrX:77,988,329, plus strand): 5'-ATTATTTATGACCCTAAACTACAGACTCCAAAGACCCTACAGGAAGCTATTGATGACATG[G>C]GCTTTGATGCTGTTATCCATAATCCTGACCCTCTCCCTGTTTTAACTGACACCTTGTTTC-3'
Protein context (NP_000043.4, residues 60-80): KTLQEAIDDM[Gly70Arg]FDAVIHNPDP